The following is an entry in ClinVar:

NM_024537.4(CARS2):c.1306del (p.Ala436fs)

Gene: CARS2 (cysteinyl-tRNA synthetase 2, mitochondrial; minus strand). Cytogenetic location: 13q34.
Variant type: Deletion.
Coding change: c.1306del on transcript NM_024537.4 (MANE Select); coding-DNA position 1306, one base deleted (G; older notation c.1306delG).
Protein change: p.Ala436fs; shifts the reading frame from alanine 436.
Molecular consequence: frameshift variant. On other transcripts: non-coding transcript variant (2).
Genome position (GRCh38, 1-based): chr13:110,645,978, C deleted on the plus strand (G on the coding strand, the reverse complement: CARS2 is on the minus strand); the first of 3 consecutive C bases (chr13:110,645,978-110,645,980); deleting any one gives the same sequence. VCF-style (leftmost placement, unchanged base first): chr13-110645977-GC-G. GRCh37 (hg19) VCF-style: chr13-111298324-GC-G.
Other names: c.1306delG (NM_024537.4); c.520del, p.Ala174fs (NM_001352252.2); short protein forms A436fs, A174fs.
Identifiers: ClinVar variation 834157 (VCV000834157.8), dbSNP rs1473469742, ClinGen allele CA612640942.

ClinVar aggregate classification (germline): Uncertain significance. Review status: criteria provided, multiple submitters, no conflicts (2 of 4 stars). 2 submissions from 2 submitters: Uncertain significance (2). Last evaluated 2026-02-18.

Conditions:
Combined oxidative phosphorylation defect type 27. Also called: Combined oxidative phosphorylation deficiency 27. Identifiers: Orphanet 477774, MedGen C5567608, MONDO:0014728, OMIM 616672.

Submissions (2):

Women's Health and Genetics/Laboratory Corporation of America, LabCorp
Classification: Uncertain significance. Last evaluated: 2026-02-18. Review status: criteria provided, single submitter. Criteria: LabCorp Variant Classification Summary - May 2015. Collection method: clinical testing. Allele origin: germline.
Comment: Variant summary: CARS2 c.1306delG (p.Ala436ArgfsX3) results in a premature termination codon, predicted to cause a truncation of the encoded protein or absence of the protein due to nonsense mediated decay, however current evidence is not sufficient to establish loss of function as a mechanism for disease. The variant was absent in 250270 control chromosomes. The available data on variant occurrences in the general population are insufficient to allow any conclusion about variant significance. To our knowledge, no occurrence of c.1306delG in individuals affected with CARS2-related conditions and no experimental evidence demonstrating its impact on protein function have been reported. ClinVar contains an entry for this variant (Variation ID: 834157). Based on the evidence outlined above, the variant was classified as uncertain significance.

Labcorp Genetics (formerly Invitae), Labcorp
Classification: Uncertain significance for Combined oxidative phosphorylation defect type 27. Last evaluated: 2019-01-26. Review status: criteria provided, single submitter. Criteria: Invitae Variant Classification Sherloc (09022015). Collection method: clinical testing. Allele origin: germline.
Comment: In summary, the available evidence is currently insufficient to determine the role of this variant in disease. Therefore, it has been classified as a Variant of Uncertain Significance. The current clinical and genetic evidence is not sufficient to establish whether loss-of-function variants in CARS2 cause disease. This variant has not been reported in the literature in individuals with CARS2-related conditions. This variant is not present in population databases (ExAC no frequency). This sequence change creates a premature translational stop signal (p.Ala436Argfs*3) in the CARS2 gene. It is expected to result in an absent or disrupted protein product.